The following is an entry in ClinVar:

ClinVar aggregate classification (germline): Pathogenic (1 of 4 stars; one submission).

Conditions:
Hereditary cancer-predisposing syndrome. Also called: Hereditary Cancer Syndrome; Neoplastic Syndromes, Hereditary; Tumor predisposition; Hereditary neoplastic syndrome. Identifiers: Orphanet 140162, MedGen C0027672, MeSH D009386, MONDO:0015356.

Submission:

Ambry Genetics
Classification: Pathogenic for Hereditary cancer-predisposing syndrome. Last evaluated: 2017-10-11. Review status: criteria provided, single submitter. Criteria: Ambry Variant Classification Scheme 2023. Collection method: clinical testing. Allele origin: germline.
Comment: The c.524_527delACAG pathogenic mutation, located in coding exon 3 of the VHL gene, results from a deletion of 4 nucleotides at nucleotide positions 524 to 527, causing a translational frameshift with a predicted alternate stop codon (p.Y175*). While this exact alteration has not been reported in the literature, several other alterations, c.525C>A, c.525C>G, and c.525delC, resulting in the same stop codon (p.Y175*) have been reported in individuals with von-Hippel Lindau syndrome (Dollfus H et al. Invest. Ophthalmol. Vis. Sci., 2002 Sep;43:3067-74; Zbar B et al. Hum. Mutat., 1996;8:348-57; Wong M et al. Chin J Cancer, 2016 Aug;35:79; Ong KR et al. Hum. Mutat., 2007 Feb;28:143-9). In addition to the clinical data presented in the literature, this alteration is expected to result in loss of function by premature protein truncation or nonsense-mediated mRNA decay. As such, this alteration is interpreted as a disease-causing mutation.

Literature cited by the submitters: PubMed 12202531; PubMed 17024664; PubMed 27527340; PubMed 8956040.

NM_000551.4(VHL):c.524_527del (p.Asn174_Tyr175insTer)

Genes: VHL (von Hippel-Lindau tumor suppressor; plus strand), LOC107303340 (3p25 von Hippel-Lindau tumor suppressor, E3 ubiquitin protein ligase Alu-mediated recombination region; plus strand). Cytogenetic location: 3p25.3.
Variant type: Deletion.
Coding change: c.524_527del on transcript NM_000551.4 (MANE Select); coding-DNA positions 524 to 527, 4 bases deleted (ACAG; older notation c.524_527delACAG).
Protein change: p.Asn174_Tyr175insTer.
Molecular consequence: nonsense. On other transcripts: 3 prime UTR variant (1).
Genome position (GRCh38, 1-based): chr3:10,149,847-10,149,850, ACAG deleted. VCF-style (leftmost placement, unchanged base first): chr3-10149846-TACAG-T. GRCh37 (hg19) VCF-style: chr3-10191530-TACAG-T.
Other names: c.*78_*81del (NM_001354723.2); c.401_404del, p.Asn133_Tyr134insTer (NM_198156.3).
Identifiers: ClinVar variation 1746298 (VCV001746298.2), dbSNP rs2470170952, ClinGen allele CA2580068483.